The following is an entry in ClinVar:

NM_021930.6(RINT1):c.1948C>G (p.Pro650Ala)

Genes: EFCAB10 (EF-hand calcium binding domain 10; minus strand), RINT1 (RAD50 interactor 1; plus strand). Cytogenetic location: 7q22.3.
Variant type: single nucleotide variant.
Coding change: c.1948C>G on transcript NM_021930.6 (MANE Select); coding-DNA position 1948, C replaced by G.
Protein change: p.Pro650Ala; replaces proline 650 with alanine.
Molecular consequence: missense variant. On other transcripts: 3 prime UTR variant (3), non-coding transcript variant (1).
Genome position (GRCh38, 1-based): chr7:105,565,338, C>G. VCF-style: chr7-105565338-C-G. GRCh37 (hg19) VCF-style: chr7-105205785-C-G.
Other names: c.*109G>C (NM_001355526.2); c.*211G>C (NM_001355530.2); c.*64G>C (NM_001355531.2); c.1714C>G, p.Pro572Ala (NM_001346599.2); c.925C>G, p.Pro309Ala (NM_001346600.2, NM_001346603.2); c.1024C>G, p.Pro342Ala (NM_001346601.2); short protein forms P309A, P650A, P342A, P572A.
Identifiers: ClinVar variation 3433537 (VCV003433537.1).

ClinVar aggregate classification (germline): Uncertain significance (1 of 4 stars; one submission).

gnomAD v4.1: 1 of 1,614,088 alleles (0.000062%); highest among the groups gnomAD compares: African/African-American, 0.0013%; no homozygotes.

Submission:

Ambry Genetics
Classification: Uncertain significance. Last evaluated: 2024-07-28. Review status: criteria provided, single submitter. Criteria: Ambry Variant Classification Scheme 2023. Collection method: clinical testing. Allele origin: germline.
Comment: The p.P650A variant (also known as c.1948C>G), located in coding exon 13 of the RINT1 gene, results from a C to G substitution at nucleotide position 1948. The proline at codon 650 is replaced by alanine, an amino acid with highly similar properties. This amino acid position is conserved. In addition, this alteration is predicted to be tolerated by in silico analysis. Based on the available evidence, the clinical significance of this variant remains unclear.